The following is an entry in ClinVar:

ClinVar aggregate classification (germline): Conflicting classifications of pathogenicity. Review status: criteria provided, conflicting classifications (1 of 4 stars). 6 submissions from 6 submitters: Uncertain significance (3); Benign (1); Likely benign (2). Last evaluated 2026-01-28.

Conditions:
Familial thoracic aortic aneurysm and aortic dissection (TAAD). Also called: Thoracic aortic aneurysms and dissections. Identifiers: Orphanet 91387, MedGen C4707243, MONDO:0019625.
Arterial tortuosity syndrome (ATORS). Identifiers: Orphanet 3342, MedGen C1859726, MONDO:0008818, OMIM 208050.

Allele frequency attached by ClinVar (database versions not stated): gnomAD exomes 0.00006 and 0.00020; ExAC 0.00026; gnomAD 0.00070 and 0.00071; ESP Exome Variant Server 0.00085; TOPMed 0.00086; 1000 Genomes Project 30x 0.00094; 1000 Genomes Project 0.00100.
gnomAD v4.1: 192 of 1,614,150 alleles (0.012%); highest among the groups gnomAD compares: African/African-American, 0.25%; no homozygotes.

Submissions (6):

Labcorp Genetics (formerly Invitae), Labcorp
Classification: Likely benign for Arterial tortuosity syndrome. Last evaluated: 2026-01-28. Review status: criteria provided, single submitter. Criteria: Invitae Variant Classification Sherloc (09022015). Collection method: clinical testing. Allele origin: germline.

GeneDx
Classification: Uncertain significance. Last evaluated: 2026-01-26. Review status: criteria provided, single submitter. Criteria: GeneDx Variant Classification Process June 2021. Collection method: clinical testing. Allele origin: germline. Affected: yes.
Comment: Has not been previously published as pathogenic or benign to our knowledge; In silico analysis suggests that this missense variant does not alter protein structure/function

ARUP Laboratories, Molecular Genetics and Genomics, ARUP Laboratories
Classification: Uncertain significance for Arterial tortuosity syndrome. Last evaluated: 2024-09-19. Review status: criteria provided, single submitter. Criteria: ARUP Molecular Germline Variant Investigation Process 2024. Collection method: clinical testing. Allele origin: germline.
Comment: The SLC2A10 c.1010G>C; p.Gly337Ala variant (rs150745395), to our knowledge, is not reported in the medical literature but is reported in ClinVar (Variation ID: 213721). This variant is found primarily in the African-American population with an allele frequency of 0.28% (69/24,952 alleles) in the Genome Aggregation Database (v2.1.1). Computational analyses predict that this variant is neutral (REVEL: 0.128). Due to limited information, the clinical significance of this variant is uncertain at this time.

Ambry Genetics
Classification: Likely benign for Familial thoracic aortic aneurysm and aortic dissection. Last evaluated: 2024-01-23. Review status: criteria provided, single submitter. Criteria: Ambry Variant Classification Scheme 2023. Collection method: clinical testing. Allele origin: germline.

CHEO Genetics Diagnostic Laboratory, Children's Hospital of Eastern Ontario
Classification: Benign for Familial thoracic aortic aneurysm and aortic dissection. Last evaluated: 2019-06-12. Review status: criteria provided, single submitter. Criteria: ACMG Guidelines, 2015. Collection method: clinical testing. Allele origin: germline.

Eurofins Ntd Llc (ga)
Classification: Uncertain significance. Last evaluated: 2017-01-13. Review status: criteria provided, single submitter. Criteria: EGL Classification Definitions 2015. Collection method: clinical testing. Allele origin: germline. Observed: 1 variant allele, 1 heterozygote.

NM_030777.4(SLC2A10):c.1010G>C (p.Gly337Ala)

Gene: SLC2A10 (solute carrier family 2 member 10; plus strand). Cytogenetic location: 20q13.12.
Variant type: single nucleotide variant.
Coding change: c.1010G>C on transcript NM_030777.4 (MANE Select); coding-DNA position 1010, G replaced by C.
Protein change: p.Gly337Ala; replaces glycine 337 with alanine.
Molecular consequence: missense variant.
Genome position (GRCh38, 1-based): chr20:46,726,046, G>C. VCF-style: chr20-46726046-G-C. GRCh37 (hg19) VCF-style: chr20-45354685-G-C.
Other names: p.G337A:GGG>GCG; short protein forms G337A.
Identifiers: ClinVar variation 213721 (VCV000213721.22), dbSNP rs150745395, ClinGen allele CA322851.